The following is an entry in ClinVar:

NM_003659.4(AGPS):c.680A>G (p.Lys227Arg)

Gene: AGPS (alkylglycerone phosphate synthase; plus strand). Cytogenetic location: 2q31.2.
Variant type: single nucleotide variant.
Coding change: c.680A>G on transcript NM_003659.4 (MANE Select); coding-DNA position 680, A replaced by G.
Protein change: p.Lys227Arg; replaces lysine 227 with arginine.
Molecular consequence: missense variant.
Genome position (GRCh38, 1-based): chr2:177,441,007, A>G. VCF-style: chr2-177441007-A-G. GRCh37 (hg19) VCF-style: chr2-178305735-A-G.
Other names: short protein forms K227R.
Identifiers: ClinVar variation 2917746 (VCV002917746.3), dbSNP rs757432689, ClinGen allele CA1980122.

ClinVar aggregate classification (germline): Uncertain significance (1 of 4 stars; one submission).

Allele frequency attached by ClinVar (database versions not stated): ExAC 0.00001; gnomAD 0.00001; gnomAD exomes 0.00001.
gnomAD v4.1: 8 of 1,612,862 alleles (0.0005%); highest among the groups gnomAD compares: South Asian, 0.0033%; no homozygotes.

Submission:

Labcorp Genetics (formerly Invitae), Labcorp
Classification: Uncertain significance. Last evaluated: 2023-10-29. Review status: criteria provided, single submitter. Criteria: Invitae Variant Classification Sherloc (09022015). Collection method: clinical testing. Allele origin: germline.
Comment: This sequence change replaces lysine, which is basic and polar, with arginine, which is basic and polar, at codon 227 of the AGPS protein (p.Lys227Arg). This variant is present in population databases (rs757432689, gnomAD 0.003%). This variant has not been reported in the literature in individuals affected with AGPS-related conditions. Advanced modeling of protein sequence and biophysical properties (such as structural, functional, and spatial information, amino acid conservation, physicochemical variation, residue mobility, and thermodynamic stability) performed at Invitae indicates that this missense variant is not expected to disrupt AGPS protein function with a negative predictive value of 80%. In summary, the available evidence is currently insufficient to determine the role of this variant in disease. Therefore, it has been classified as a Variant of Uncertain Significance.